The following is an entry in ClinVar:

NM_025132.4(WDR19):c.3728T>C (p.Ile1243Thr)

Gene: WDR19 (WD repeat domain 19; plus strand). Cytogenetic location: 4p14.
Variant type: single nucleotide variant.
Coding change: c.3728T>C on transcript NM_025132.4 (MANE Select); coding-DNA position 3728, T replaced by C.
Protein change: p.Ile1243Thr; replaces isoleucine 1243 with threonine.
Molecular consequence: missense variant.
Genome position (GRCh38, 1-based): chr4:39,277,031, T>C. VCF-style: chr4-39277031-T-C. GRCh37 (hg19) VCF-style: chr4-39278651-T-C.
Other names: c.3248T>C, p.Ile1083Thr (NM_001317924.2); short protein forms I1083T, I1243T.
Identifiers: ClinVar variation 1982475 (VCV001982475.1), dbSNP rs769789803, ClinGen allele CA2892469.
Genomic context (GRCh38, chr4:39,277,031, plus strand): 5'-GGTACATGAATAAAACGGCATTTTTAAATGACATGATTCTTCCTCACAGGAGACCCGATA[T>C]ATCTGAGATAGAAGAGGCCACGACTCCATGTCCATTCTGCAAATTTCTTCTCCCAGAGTG-3'
Protein context (NP_079408.3, residues 1233-1253): KIEGMVRRPD[Ile1243Thr]SEIEEATTPC

ClinVar aggregate classification (germline): Uncertain significance (1 of 4 stars; one submission).

Conditions:
Senior-Loken syndrome 8 (SLSN8). Identifiers: Orphanet 3156, MedGen C4225376, MONDO:0014579, OMIM 616307.
Asphyxiating thoracic dystrophy 5 (SRTD5). Also called: SHORT-RIB THORACIC DYSPLASIA 5 WITH OR WITHOUT POLYDACTYLY; SHORT-RIB THORACIC DYSPLASIA 5 WITHOUT POLYDACTYLY. Identifiers: Orphanet 474, MedGen C3280598, MONDO:0013717, OMIM 614376.

Allele frequency attached by ClinVar (database versions not stated): gnomAD exomes below 0.00001; ExAC 0.00001; gnomAD 0.00001.
gnomAD v4.1: 2 of 1,613,560 alleles (0.00012%); highest among the groups gnomAD compares: Admixed American, 0.0017%; no homozygotes.

Submission:

Labcorp Genetics (formerly Invitae), Labcorp
Classification: Uncertain significance for Senior-Loken syndrome 8; Asphyxiating thoracic dystrophy 5. Last evaluated: 2022-08-12. Review status: criteria provided, single submitter. Criteria: Invitae Variant Classification Sherloc (09022015). Collection method: clinical testing. Allele origin: germline.
Comment: This sequence change replaces isoleucine, which is neutral and non-polar, with threonine, which is neutral and polar, at codon 1243 of the WDR19 protein (p.Ile1243Thr). This variant is present in population databases (rs769789803, gnomAD 0.003%). This variant has not been reported in the literature in individuals affected with WDR19-related conditions. Algorithms developed to predict the effect of missense changes on protein structure and function output the following: SIFT: "Tolerated"; PolyPhen-2: "Benign"; Align-GVGD: "Class C0". The threonine amino acid residue is found in multiple mammalian species, which suggests that this missense change does not adversely affect protein function. In summary, the available evidence is currently insufficient to determine the role of this variant in disease. Therefore, it has been classified as a Variant of Uncertain Significance.